The following is an entry in ClinVar:

ClinVar aggregate classification (germline): Uncertain significance. Review status: criteria provided, multiple submitters, no conflicts (2 of 4 stars). 2 submissions from 2 submitters: Uncertain significance (2). Last evaluated 2023-04-10.

Allele frequency attached by ClinVar (database versions not stated): gnomAD exomes below 0.00001 and 0.00001; ExAC 0.00001; gnomAD 0.00001; TOPMed 0.00001; ESP Exome Variant Server 0.00008.
gnomAD v4.1: 9 of 1,613,950 alleles (0.00056%); highest among the groups gnomAD compares: South Asian, 0.0011%; no homozygotes.

Submissions (2):

Labcorp Genetics (formerly Invitae), Labcorp
Classification: Uncertain significance. Last evaluated: 2023-04-10. Review status: criteria provided, single submitter. Criteria: Invitae Variant Classification Sherloc (09022015). Collection method: clinical testing. Allele origin: germline.
Comment: ClinVar contains an entry for this variant (Variation ID: 964483). In summary, the available evidence is currently insufficient to determine the role of this variant in disease. Therefore, it has been classified as a Variant of Uncertain Significance. Advanced modeling of protein sequence and biophysical properties (such as structural, functional, and spatial information, amino acid conservation, physicochemical variation, residue mobility, and thermodynamic stability) performed at Invitae indicates that this missense variant is expected to disrupt IMPG2 protein function. This variant has not been reported in the literature in individuals affected with IMPG2-related conditions. This variant is present in population databases (rs367769013, gnomAD 0.0008%). This sequence change replaces asparagine, which is neutral and polar, with serine, which is neutral and polar, at codon 953 of the IMPG2 protein (p.Asn953Ser).

Blueprint Genetics
Classification: Uncertain significance. Last evaluated: 2022-06-24. Review status: criteria provided, single submitter. Criteria: ACMG Guidelines, 2015. Collection method: clinical testing. Allele origin: germline.

NM_016247.4(IMPG2):c.2858A>G (p.Asn953Ser)

Gene: IMPG2 (interphotoreceptor matrix proteoglycan 2; minus strand). Cytogenetic location: 3q12.3.
Variant type: single nucleotide variant.
Coding change: c.2858A>G on transcript NM_016247.4 (MANE Select); coding-DNA position 2858, A replaced by G.
Protein change: p.Asn953Ser; replaces asparagine 953 with serine.
Molecular consequence: missense variant.
Genome position (GRCh38, 1-based): chr3:101,242,852, T>C on the plus strand (A>G on the coding strand, the complement: IMPG2 is on the minus strand). VCF-style: chr3-101242852-T-C. GRCh37 (hg19) VCF-style: chr3-100961696-T-C.
Other names: short protein forms N953S.
Identifiers: ClinVar variation 964483 (VCV000964483.10), dbSNP rs367769013, ClinGen allele CA2518887.
Genomic context (GRCh38, chr3:101,242,852, plus strand): 5'-GGAGGGACAGAATTGGCAAACTTCATTCGACTGTTCACCACAATGCTGCCATTTCTGAAG[T>C]TGAGGATTTCTAAGTTCTGGAACCCCGTGAGATTTGACTGGAGATAGGGAACCAGCTACA-3'
Protein context (NP_057331.2, residues 943-963): LTGFQNLEIL[Asn953Ser]FRNGSIVVNS